The following is an entry in ClinVar:

ClinVar aggregate classification (germline): Likely benign. Review status: criteria provided, multiple submitters, no conflicts (2 of 4 stars). 8 submissions from 8 submitters: Likely benign (5). 3 of the submissions do not count toward it. Last evaluated 2026-09-01.

Conditions:
Cardiovascular phenotype. Identifiers: MedGen CN230736.
Dilated cardiomyopathy 1O (CMD1O). Also called: CARDIOMYOPATHY, DILATED, WITH VENTRICULAR TACHYCARDIA. Identifiers: Orphanet 154, MedGen C1837839, MONDO:0012062, OMIM 608569.

Allele frequency attached by ClinVar (database versions not stated): gnomAD 0.00005; TOPMed 0.00005; gnomAD exomes 0.00006 and 0.00008; ExAC 0.00007.
gnomAD v4.1: 98 of 1,610,814 alleles (0.0061%); highest among the groups gnomAD compares: Middle Eastern, 0.033%; no homozygotes.

Submissions (8):

CeGaT Center for Human Genetics Tuebingen
Classification: Likely benign. Last evaluated: 2026-09-01. Review status: criteria provided, single submitter. Criteria: CeGaT Center For Human Genetics Tuebingen Variant Classification Criteria Version 2. Collection method: clinical testing. Allele origin: germline. Affected: yes. Observed: 1 variant allele.
Comment: ABCC9: BP4, BP7

Labcorp Genetics (formerly Invitae), Labcorp
Classification: Likely benign for Dilated cardiomyopathy 1O. Last evaluated: 2025-11-24. Review status: criteria provided, single submitter. Criteria: Invitae Variant Classification Sherloc (09022015). Collection method: clinical testing. Allele origin: germline.

Ambry Genetics
Classification: Likely benign for Cardiovascular phenotype. Last evaluated: 2019-10-31. Review status: criteria provided, single submitter. Criteria: Ambry Variant Classification Scheme 2023. Collection method: clinical testing. Allele origin: germline.

GeneDx
Classification: Likely benign. Last evaluated: 2018-12-13. Review status: criteria provided, single submitter. Criteria: GeneDx Variant Classification Process June 2021. Collection method: clinical testing. Allele origin: germline. Affected: yes.

Laboratory for Molecular Medicine, Mass General Brigham Personalized Medicine
Classification: Likely benign. Last evaluated: 2014-02-20. Review status: criteria provided, single submitter. Criteria: LMM Criteria. Collection method: clinical testing. Allele origin: germline. Observed: 1 variant allele.
Comment: Asn16Asn in exon 1 of ABCC9: This variant is not expected to have clinical sign ificance because it does not alter an amino acid residue and is not located with in the splice consensus sequence. It has been identified in 0.2% (3/1321) of Eu ropean American chromosomes (dbSNP rs199631710). Asn16Asn in exon 1 of ABCC9 (r s199631710; allele frequency = 0.2%, 3/1321)

Clinical Genetics DNA and cytogenetics Diagnostics Lab, Erasmus MC, Erasmus Medical Center
Classification: Likely benign. Review status: no assertion criteria provided. Collection method: clinical testing. Allele origin: germline. Affected: yes. Study: VKGL Data-share Consensus. Not counted in ClinVar's aggregate classification.

Diagnostic Laboratory, Department of Genetics, University Medical Center Groningen
Classification: Likely benign. Review status: no assertion criteria provided. Collection method: clinical testing. Allele origin: germline. Affected: yes. Study: VKGL Data-share Consensus. Not counted in ClinVar's aggregate classification.

Joint Genome Diagnostic Labs from Nijmegen and Maastricht, Radboudumc and MUMC+
Classification: Likely benign. Review status: no assertion criteria provided. Collection method: clinical testing. Allele origin: germline. Affected: yes. Study: VKGL Data-share Consensus. Not counted in ClinVar's aggregate classification.

NM_020297.4(ABCC9):c.48C>T (p.Asn16=)

Gene: ABCC9 (ATP binding cassette subfamily C member 9; minus strand). Cytogenetic location: 12p12.1.
Variant type: single nucleotide variant.
Coding change: c.48C>T on transcript NM_020297.4 (MANE Select); coding-DNA position 48, C replaced by T.
Protein change: p.Asn16=; no amino-acid change (asparagine 16 retained).
Molecular consequence: synonymous variant. On other transcripts: 5 prime UTR variant (1).
Genome position (GRCh38, 1-based): chr12:21,936,627, G>A on the plus strand (C>T on the coding strand, the complement: ABCC9 is on the minus strand). VCF-style: chr12-21936627-G-A. GRCh37 (hg19) VCF-style: chr12-22089561-G-A.
Other names: c.48C>T, p.Asn16= (NM_001377273.1, NM_005691.4); c.-407C>T (NM_001377274.1); c.48C>T (NM_020297.2).
Identifiers: ClinVar variation 162699 (VCV000162699.26), dbSNP rs199631710, ClinGen allele CA175170.